The following is an entry in ClinVar:

NM_000059.4(BRCA2):c.7879A>G (p.Ile2627Val)

Gene: BRCA2 (BRCA2 DNA repair associated; plus strand). Cytogenetic location: 13q13.1.
Variant type: single nucleotide variant.
Coding change: c.7879A>G on transcript NM_000059.4 (MANE Select); coding-DNA position 7879, A replaced by G.
Protein change: p.Ile2627Val; replaces isoleucine 2627 with valine.
Molecular consequence: missense variant.
Genome position (GRCh38, 1-based): chr13:32,362,596, A>G. VCF-style: chr13-32362596-A-G. GRCh37 (hg19) VCF-style: chr13-32936733-A-G.
Other names: short protein forms I2627V.
Identifiers: ClinVar variation 141584 (VCV000141584.13), dbSNP rs80359014, ClinGen allele CA025320.

ClinVar aggregate classification (germline): Conflicting classifications of pathogenicity. Review status: criteria provided, conflicting classifications (1 of 4 stars). 2 submissions from 2 submitters: Uncertain significance (1); Likely benign (1). Last evaluated 2023-10-23.

Conditions:
Hereditary cancer-predisposing syndrome. Also called: Neoplastic Syndromes, Hereditary; Tumor predisposition; Hereditary Cancer Syndrome; Hereditary neoplastic syndrome. Identifiers: Orphanet 140162, MedGen C0027672, MeSH D009386, MONDO:0015356.
Hereditary breast ovarian cancer syndrome. Also called: Breast and ovarian cancer; Hereditary breast and ovarian cancer; Hereditary breast and/or ovarian cancer syndrome; BRCA1- and BRCA2-Associated Hereditary Breast and Ovarian Cancer; Hereditary breast and ovarian cancer syndrome; Hereditary breast and ovarian cancer syndrome (HBOC). Identifiers: Orphanet 145, MedGen C0677776, MeSH D061325, MONDO:0003582. Disease mechanism: loss of function.

Submissions (2):

Labcorp Genetics (formerly Invitae), Labcorp
Classification: Uncertain significance for Hereditary breast ovarian cancer syndrome. Last evaluated: 2023-10-23. Review status: criteria provided, single submitter. Criteria: Invitae Variant Classification Sherloc (09022015). Collection method: clinical testing. Allele origin: germline.
Comment: This sequence change replaces isoleucine, which is neutral and non-polar, with valine, which is neutral and non-polar, at codon 2627 of the BRCA2 protein (p.Ile2627Val). This variant is not present in population databases (gnomAD no frequency). This variant has not been reported in the literature in individuals affected with BRCA2-related conditions. ClinVar contains an entry for this variant (Variation ID: 141584). Advanced modeling performed at Invitae incorporating data from internal and/or published experimental studies (PMID: 33609447) indicates that this missense variant is not expected to disrupt BRCA2 function with a negative predictive value of 95%. Experimental studies have shown that this missense change does not substantially affect BRCA2 function (PMID: 33609447). Algorithms developed to predict the effect of sequence changes on RNA splicing suggest that this variant may disrupt the consensus splice site. This variant disrupts the p.Ile2627 amino acid residue in BRCA2. Other variant(s) that disrupt this residue have been determined to be pathogenic (PMID: 18451181, 29335924, 29884841, 29988080). This suggests that this residue is clinically significant, and that variants that disrupt this residue are likely to be disease-causing. In summary, the available evidence is currently insufficient to determine the role of this variant in disease. Therefore, it has been classified as a Variant of Uncertain Significance.

Ambry Genetics
Classification: Likely benign for Hereditary cancer-predisposing syndrome. Last evaluated: 2022-01-12. Review status: criteria provided, single submitter. Criteria: Ambry Variant Classification Scheme 2023. Collection method: clinical testing. Allele origin: germline.

Literature cited by the submitters: PubMed 33609447 (cited by Labcorp Genetics (formerly Invitae), Labcorp); PubMed 18451181 (cited by Labcorp Genetics (formerly Invitae), Labcorp); PubMed 29335924 (cited by Labcorp Genetics (formerly Invitae), Labcorp); PubMed 29884841 (cited by Labcorp Genetics (formerly Invitae), Labcorp); PubMed 29988080 (cited by Labcorp Genetics (formerly Invitae), Labcorp).